The following is an entry in ClinVar:

ClinVar aggregate classification (germline): Uncertain significance (1 of 4 stars; one submission).

Conditions:
Hereditary cancer-predisposing syndrome. Also called: Neoplastic Syndromes, Hereditary; Tumor predisposition; Hereditary Cancer Syndrome; Hereditary neoplastic syndrome. Identifiers: Orphanet 140162, MedGen C0027672, MeSH D009386, MONDO:0015356.

Submission:

Ambry Genetics
Classification: Uncertain significance for Hereditary cancer-predisposing syndrome. Last evaluated: 2025-12-22. Review status: criteria provided, single submitter. Criteria: Ambry Variant Classification Scheme 2023. Collection method: clinical testing. Allele origin: germline.
Comment: The p.V447L variant (also known as c.1339G>C), located in coding exon 15 of the CDC73 gene, results from a G to C substitution at nucleotide position 1339. The valine at codon 447 is replaced by leucine, an amino acid with highly similar properties. This amino acid position is conserved. In addition, this alteration is predicted to be deleterious by in silico analysis. Based on the available evidence, the clinical significance of this variant remains unclear.

NM_024529.5(CDC73):c.1339G>C (p.Val447Leu)

Gene: CDC73 (cell division cycle 73; plus strand). Cytogenetic location: 1q31.2.
Variant type: single nucleotide variant.
Coding change: c.1339G>C on transcript NM_024529.5 (MANE Select); coding-DNA position 1339, G replaced by C.
Protein change: p.Val447Leu; replaces valine 447 with leucine.
Molecular consequence: missense variant.
Genome position (GRCh38, 1-based): chr1:193,236,278, G>C. VCF-style: chr1-193236278-G-C. GRCh37 (hg19) VCF-style: chr1-193205408-G-C.
Other names: short protein forms V447L.
Identifiers: ClinVar variation 4842633 (VCV004842633.1).